The following is an entry in ClinVar:

ClinVar aggregate classification (germline): Uncertain significance (1 of 4 stars; one submission).

Conditions:
Spastic paraplegia. Identifiers: MedGen C0037772, HP:0001258.

Submission:

Labcorp Genetics (formerly Invitae), Labcorp
Classification: Uncertain significance for Spastic paraplegia. Last evaluated: 2024-04-25. Review status: criteria provided, single submitter. Criteria: Invitae Variant Classification Sherloc (09022015). Collection method: clinical testing. Allele origin: germline.
Comment: This sequence change replaces isoleucine, which is neutral and non-polar, with valine, which is neutral and non-polar, at codon 885 of the AP4E1 protein (p.Ile885Val). This variant is not present in population databases (gnomAD no frequency). This variant has not been reported in the literature in individuals affected with AP4E1-related conditions. Algorithms developed to predict the effect of missense changes on protein structure and function output the following: SIFT: "Not Available"; PolyPhen-2: "Benign"; Align-GVGD: "Not Available". The valine amino acid residue is found in multiple mammalian species, which suggests that this missense change does not adversely affect protein function. In summary, the available evidence is currently insufficient to determine the role of this variant in disease. Therefore, it has been classified as a Variant of Uncertain Significance.

NM_007347.5(AP4E1):c.2653A>G (p.Ile885Val)

Gene: AP4E1 (adaptor related protein complex 4 subunit epsilon 1; plus strand). Cytogenetic location: 15q21.2.
Variant type: single nucleotide variant.
Coding change: c.2653A>G on transcript NM_007347.5 (MANE Select); coding-DNA position 2653, A replaced by G.
Protein change: p.Ile885Val; replaces isoleucine 885 with valine.
Molecular consequence: missense variant.
Genome position (GRCh38, 1-based): chr15:50,997,632, A>G. VCF-style: chr15-50997632-A-G. GRCh37 (hg19) VCF-style: chr15-51289829-A-G.
Other names: c.2428A>G, p.Ile810Val (NM_001252127.2); short protein forms I885V, I810V.
Identifiers: ClinVar variation 2698521 (VCV002698521.3), dbSNP rs2504925903, ClinGen allele CA392420442.